The following is an entry in ClinVar:

NM_013447.4(ADGRE2):c.1629del (p.Gly543_Leu544insTer)

Gene: ADGRE2 (adhesion G protein-coupled receptor E2; minus strand). Cytogenetic location: 19p13.12.
Variant type: Deletion.
Coding change: c.1629del on transcript NM_013447.4 (MANE Select); coding-DNA position 1629, one base deleted (G; older notation c.1629delG).
Protein change: p.Gly543_Leu544insTer.
Molecular consequence: frameshift variant.
Genome position (GRCh38, 1-based): chr19:14,752,488, C deleted on the plus strand (G on the coding strand, the reverse complement: ADGRE2 is on the minus strand); the first of 4 consecutive C bases (chr19:14,752,488-14,752,491); deleting any one gives the same sequence. VCF-style (leftmost placement, unchanged base first): chr19-14752487-GC-G. GRCh37 (hg19) VCF-style: chr19-14863299-GC-G.
Other names: c.1455del, p.Gly485_Leu486insTer (NM_001271052.1).
Identifiers: ClinVar variation 1685414 (VCV001685414.4), dbSNP rs747459594, ClinGen allele CA9257650.
Genomic context (GRCh38, chr19:14,752,487, plus strand): 5'-TGGCTTTACACAGGAGAAAAGTGAGGGCCGCCAGGAGGAGGCACAGCAGAGAGACGCTCA[GC>G]CCCATGTAGGTGATGACAGTCAGCACGGGATCCTCCTCCTGGGACCCGGAAAAGAAGAGT-3'

ClinVar aggregate classification (germline): Conflicting classifications of pathogenicity. Review status: criteria provided, conflicting classifications (1 of 4 stars). 2 submissions from 2 submitters: Uncertain significance (1); Benign (1). Last evaluated 2025-06-13.

Submissions (2):

Labcorp Genetics (formerly Invitae), Labcorp
Classification: Uncertain significance. Last evaluated: 2025-06-13. Review status: criteria provided, single submitter. Criteria: Invitae Variant Classification Sherloc (09022015). Collection method: clinical testing. Allele origin: germline.
Comment: This sequence change creates a premature translational stop signal (p.Leu544*) in the ADGRE2 gene. It is expected to result in an absent or disrupted protein product. However, the current clinical and genetic evidence is not sufficient to establish whether loss-of-function variants in ADGRE2 cause disease. This variant is present in population databases (rs747459594, gnomAD 0.002%). This variant has not been reported in the literature in individuals affected with ADGRE2-related conditions. ClinVar contains an entry for this variant (Variation ID: 1685414). In summary, the available evidence is currently insufficient to determine the role of this variant in disease. Therefore, it has been classified as a Variant of Uncertain Significance.

Mendelics
Classification: Benign. Last evaluated: 2022-05-04. Review status: criteria provided, single submitter. Criteria: Mendelics Assertion Criteria 2019. Collection method: clinical testing. Allele origin: germline.